The following is an entry in ClinVar:

NM_000755.5(CRAT):c.1396G>A (p.Asp466Asn)

Gene: CRAT (carnitine O-acetyltransferase; minus strand). Cytogenetic location: 9q34.11.
Variant type: single nucleotide variant.
Coding change: c.1396G>A on transcript NM_000755.5 (MANE Select); coding-DNA position 1396, G replaced by A.
Protein change: p.Asp466Asn; replaces aspartic acid 466 with asparagine.
Molecular consequence: missense variant.
Genome position (GRCh38, 1-based): chr9:129,098,081, C>T on the plus strand (G>A on the coding strand, the complement: CRAT is on the minus strand). VCF-style: chr9-129098081-C-T. GRCh37 (hg19) VCF-style: chr9-131860360-C-T.
Other names: c.1276G>A, p.Asp426Asn (NM_001346549.2); c.1333G>A, p.Asp445Asn (NM_004003.4, NM_001257363.3, NM_001346548.2); c.1399G>A, p.Asp467Asn (NM_001346546.2); c.1396G>A, p.Asp466Asn (NM_001346547.2); short protein forms D445N, D467N, D466N, D426N.
Identifiers: ClinVar variation 2995097 (VCV002995097.3), dbSNP rs745545439, ClinGen allele CA200476531.

ClinVar aggregate classification (germline): Uncertain significance (1 of 4 stars; one submission).

Allele frequency attached by ClinVar (database versions not stated): TOPMed below 0.00001; gnomAD exomes 0.00001.
gnomAD v4.1: 20 of 1,614,018 alleles (0.0012%); highest among the groups gnomAD compares: Admixed American, 0.0067%; no homozygotes.

Submission:

Labcorp Genetics (formerly Invitae), Labcorp
Classification: Uncertain significance. Last evaluated: 2024-07-06. Review status: criteria provided, single submitter. Criteria: Invitae Variant Classification Sherloc (09022015). Collection method: clinical testing. Allele origin: germline.
Comment: This sequence change replaces aspartic acid, which is acidic and polar, with asparagine, which is neutral and polar, at codon 466 of the CRAT protein (p.Asp466Asn). This variant is present in population databases (rs745545439, gnomAD 0.01%). This variant has not been reported in the literature in individuals affected with CRAT-related conditions. Advanced modeling of protein sequence and biophysical properties (such as structural, functional, and spatial information, amino acid conservation, physicochemical variation, residue mobility, and thermodynamic stability) has been performed at Invitae for this missense variant, however the output from this modeling did not meet the statistical confidence thresholds required to predict the impact of this variant on CRAT protein function. In summary, the available evidence is currently insufficient to determine the role of this variant in disease. Therefore, it has been classified as a Variant of Uncertain Significance.